The following is an entry in ClinVar:

ClinVar aggregate classification (germline): Likely benign. Review status: criteria provided, single submitter (1 of 4 stars). 2 submissions from 2 submitters: Likely benign (1). 1 of the submissions does not count toward it. Last evaluated 2024-06-03.

Conditions:
Spastic paraplegia. Identifiers: MedGen C0037772, HP:0001258.
ZFYVE26-related disorder. Also called: ZFYVE26-related condition.

Allele frequency attached by ClinVar (database versions not stated): gnomAD 0.00003; gnomAD exomes 0.00001; TOPMed 0.00006; 1000 Genomes Project 30x 0.00016; 1000 Genomes Project 0.00020; ExAC 0.00002.
gnomAD v4.1: 12 of 1,613,070 alleles (0.00074%); highest among the groups gnomAD compares: Admixed American, 0.005%; no homozygotes.

Submissions (2):

Labcorp Genetics (formerly Invitae), Labcorp
Classification: Likely benign for Spastic paraplegia. Last evaluated: 2024-06-03. Review status: criteria provided, single submitter. Criteria: Invitae Variant Classification Sherloc (09022015). Collection method: clinical testing. Allele origin: germline.

PreventionGenetics, part of Exact Sciences
Classification: Likely benign for ZFYVE26-related condition. Last evaluated: 2019-06-18. Review status: no assertion criteria provided. Collection method: clinical testing. Allele origin: germline. Not counted in ClinVar's aggregate classification.
Comment: This variant is classified as likely benign based on ACMG/AMP sequence variant interpretation guidelines (Richards et al. 2015 PMID: 25741868, with internal and published modifications).

NM_015346.4(ZFYVE26):c.3849A>G (p.Thr1283=)

Gene: ZFYVE26 (zinc finger FYVE-type containing 26; minus strand). Cytogenetic location: 14q24.1.
Variant type: single nucleotide variant.
Coding change: c.3849A>G on transcript NM_015346.4 (MANE Select); coding-DNA position 3849, A replaced by G.
Protein change: p.Thr1283=; no amino-acid change (threonine 1283 retained).
Molecular consequence: synonymous variant.
Genome position (GRCh38, 1-based): chr14:67,783,303, T>C on the plus strand (A>G on the coding strand, the complement: ZFYVE26 is on the minus strand). VCF-style: chr14-67783303-T-C. GRCh37 (hg19) VCF-style: chr14-68250020-T-C.
Identifiers: ClinVar variation 700808 (VCV000700808.13), dbSNP rs200123452, ClinGen allele CA7239891.
Genomic context (GRCh38, chr14:67,783,303, plus strand): 5'-AGAGGAGGTGAGGGCTGGGAGTGATGAGTCCCTTGGGGAGGAGTAGGGCTTTCTTTCCAA[T>C]GTAGGGTTCTCAGTTGTCCTCGGGGAGCTCGGTGTAGAAAGTGGGAGGTCATCCAGGCAG-3'
Protein context (NP_056161.2, residues 1273-1293): PSSPRTTENP[Thr1283=]LERKPYSSPR